The following is an entry in ClinVar:

NM_000334.4(SCN4A):c.2180A>G (p.Lys727Arg)

Genes: SCN4A (sodium voltage-gated channel alpha subunit 4; minus strand), GH-LCR (growth hormone locus control region; plus strand). Cytogenetic location: 17q23.3.
Variant type: single nucleotide variant.
Coding change: c.2180A>G on transcript NM_000334.4 (MANE Select); coding-DNA position 2180, A replaced by G.
Protein change: p.Lys727Arg; replaces lysine 727 with arginine.
Molecular consequence: missense variant.
Genome position (GRCh38, 1-based): chr17:63,957,358, T>C on the plus strand (A>G on the coding strand, the complement: SCN4A is on the minus strand). VCF-style: chr17-63957358-T-C. GRCh37 (hg19) VCF-style: chr17-62034718-T-C.
Other names: short protein forms K727R.
Identifiers: ClinVar variation 2170681 (VCV002170681.7), dbSNP rs1909102730, ClinGen allele CA400630826.
Genomic context (GRCh38, chr17:63,957,358, plus strand): 5'-AAATCATGCATGTGCCAGCGCGGCAGGTTGCAGTCCAAGGCAATCTTGCACACGCACTCC[T>C]TGTAGCTCTTGCCAAACAGCTGCATGCCCACCACGGCGAAGATGAACACGATGATAGCCA-3'
Protein context (NP_000325.4, residues 717-737): VGMQLFGKSY[Lys727Arg]ECVCKIALDC

ClinVar aggregate classification (germline): Uncertain significance. Review status: criteria provided, multiple submitters, no conflicts (2 of 4 stars). 2 submissions from 2 submitters: Uncertain significance (2). Last evaluated 2022-11-07.

Conditions:
Hyperkalemic periodic paralysis. Also called: Familial hyperkalemic periodic paralysis; Gamstorp disease. Identifiers: Orphanet 682, MedGen C0238357, MONDO:0008224, OMIM 170500, HP:0007215.

Allele frequency attached by ClinVar (database versions not stated): TOPMed below 0.00001; gnomAD exomes 0.00001.
gnomAD v4.1: 18 of 1,614,078 alleles (0.0011%); highest among the groups gnomAD compares: Non-Finnish European, 0.0015%; no homozygotes.

Submissions (2):

Revvity Omics, Revvity
Classification: Uncertain significance. Last evaluated: 2022-11-07. Review status: criteria provided, single submitter. Criteria: ACMG Guidelines, 2015. Collection method: clinical testing. Allele origin: germline.

Labcorp Genetics (formerly Invitae), Labcorp
Classification: Uncertain significance for Hyperkalemic periodic paralysis. Last evaluated: 2022-04-06. Review status: criteria provided, single submitter. Criteria: Invitae Variant Classification Sherloc (09022015). Collection method: clinical testing. Allele origin: germline.
Comment: This sequence change replaces lysine, which is basic and polar, with arginine, which is basic and polar, at codon 727 of the SCN4A protein (p.Lys727Arg). This variant is not present in population databases (gnomAD no frequency). This variant has not been reported in the literature in individuals affected with SCN4A-related conditions. Algorithms developed to predict the effect of missense changes on protein structure and function are either unavailable or do not agree on the potential impact of this missense change (SIFT: "Tolerated"; PolyPhen-2: "Possibly Damaging"; Align-GVGD: "Class C0"). In summary, the available evidence is currently insufficient to determine the role of this variant in disease. Therefore, it has been classified as a Variant of Uncertain Significance.